The following is an entry in ClinVar:

NM_006767.4(LZTR1):c.1426del (p.Gln476fs)

Gene: LZTR1 (leucine zipper like post translational regulator 1; plus strand). Cytogenetic location: 22q11.21.
Variant type: Deletion.
Coding change: c.1426del on transcript NM_006767.4 (MANE Select); coding-DNA position 1426, one base deleted (C; older notation c.1426delC).
Protein change: p.Gln476fs; shifts the reading frame from glutamine 476.
Molecular consequence: frameshift variant.
Genome position (GRCh38, 1-based): chr22:20,993,996, C deleted. VCF-style (leftmost placement, unchanged base first): chr22-20993995-GC-G. GRCh37 (hg19) VCF-style: chr22-21348284-GC-G.
Other names: short protein forms Q476fs.
Identifiers: ClinVar variation 1772381 (VCV001772381.5), dbSNP rs2518620566, ClinGen allele CA2577656202.

ClinVar aggregate classification (germline): Pathogenic/Likely pathogenic. Review status: criteria provided, multiple submitters, no conflicts (2 of 4 stars). 3 submissions from 3 submitters: Pathogenic (2); Likely pathogenic (1). Last evaluated 2024-09-06.

Conditions:
Cardiovascular phenotype. Identifiers: MedGen CN230736.
Hereditary cancer-predisposing syndrome. Also called: Hereditary Cancer Syndrome; Hereditary neoplastic syndrome; Neoplastic Syndromes, Hereditary; Tumor predisposition. Identifiers: Orphanet 140162, MedGen C0027672, MeSH D009386, MONDO:0015356.
LZTR1-related schwannomatosis. Also called: Schwannomatosis 2; Schwannomatosis-2, susceptibility to. Identifiers: Orphanet 93921, MedGen C3810283, MONDO:0014299, OMIM 615670.

Submissions (3):

Labcorp Genetics (formerly Invitae), Labcorp
Classification: Pathogenic. Last evaluated: 2024-09-06. Review status: criteria provided, single submitter. Criteria: Invitae Variant Classification Sherloc (09022015). Collection method: clinical testing. Allele origin: germline.
Comment: This sequence change creates a premature translational stop signal (p.Gln476Argfs*80) in the LZTR1 gene. It is expected to result in an absent or disrupted protein product. Loss-of-function variants in LZTR1 are known to be pathogenic (PMID: 24362817, 25335493, 25480913, 25795793, 29469822, 30368668, 30442762, 30442766, 30481304, 30859559). This variant is not present in population databases (gnomAD no frequency). This variant has not been reported in the literature in individuals affected with LZTR1-related conditions. ClinVar contains an entry for this variant (Variation ID: 1772381). For these reasons, this variant has been classified as Pathogenic.

Baylor Genetics
Classification: Likely pathogenic for LZTR1-related schwannomatosis. Last evaluated: 2023-08-20. Review status: criteria provided, single submitter. Criteria: ACMG Guidelines, 2015. Collection method: clinical testing. Allele origin: unknown.

Ambry Genetics
Classification: Pathogenic for Cardiovascular phenotype; Hereditary cancer-predisposing syndrome. Last evaluated: 2022-02-17. Review status: criteria provided, single submitter. Criteria: Ambry Variant Classification Scheme 2023. Collection method: clinical testing. Allele origin: germline.
Comment: The c.1426delC pathogenic mutation, located in coding exon 13 of the LZTR1 gene, results from a deletion of one nucleotide at nucleotide position 1426, causing a translational frameshift with a predicted alternate stop codon (p.Q476Rfs*80). This alteration is expected to result in loss of function by premature protein truncation or nonsense-mediated mRNA decay. Loss-of-function variants in LZTR1 are related to an increased risk for schwannomas and autosomal recessive Noonan syndrome; however, such associations with autosomal dominant Noonan syndrome have not been observed (Piotrowski A et al. Nat Genet. 2014 Feb;46:182-7; Yamamoto GL et al. J Med Genet. 2015 Jun;52:413-21; Johnston JJ et al. Genet Med. 2018 10;20:1175-1185). Based on the supporting evidence, this variant is pathogenic for an increased risk of LZTR1-related schwannomatosis (SWN) and would be expected to cause autosomal recessive Noonan syndrome when present along with a second pathogenic or likely pathogenic variant on the other allele; however, the association of this alteration with autosomal dominant Noonan syndrome is unlikely.

Literature cited by the submitters: PubMed 24362817 (cited by Labcorp Genetics (formerly Invitae), Labcorp); PubMed 25335493 (cited by Labcorp Genetics (formerly Invitae), Labcorp); PubMed 25480913 (cited by Labcorp Genetics (formerly Invitae), Labcorp); PubMed 25795793 (cited by Labcorp Genetics (formerly Invitae), Labcorp); PubMed 29469822 (cited by Labcorp Genetics (formerly Invitae), Labcorp); PubMed 30368668 (cited by Labcorp Genetics (formerly Invitae), Labcorp); PubMed 30442762 (cited by Labcorp Genetics (formerly Invitae), Labcorp); PubMed 30442766 (cited by Labcorp Genetics (formerly Invitae), Labcorp); PubMed 30481304 (cited by Labcorp Genetics (formerly Invitae), Labcorp); PubMed 30859559 (cited by Labcorp Genetics (formerly Invitae), Labcorp).